The following is an entry in ClinVar:

ClinVar aggregate classification (germline): Pathogenic. Review status: criteria provided, multiple submitters, no conflicts (2 of 4 stars). 6 submissions from 6 submitters: Pathogenic (5). 1 of the submissions does not count toward it. Last evaluated 2024-08-16.

Conditions:
Alstrom syndrome (ALMS). Identifiers: Orphanet 64, MedGen C0268425, MONDO:0008763, OMIM 203800.
ALMS1-related disorder. Also called: ALMS1-related condition.

Submissions (6):

Natera, Inc.
Classification: Pathogenic for Alstrom syndrome. Last evaluated: 2024-08-16. Review status: criteria provided, single submitter. Criteria: Natera Variant Classification Schema (03/2026). Collection method: clinical testing. Allele origin: germline.
Comment: The c.4252delC variant in ALMS1 is a frameshift variant predicted to shift the reading frame beginning at codon 1418 and leads to a stop codon 55 codons downstream. This variant is expected to result in nonsense mediated decay, truncation, or a dysfunctional protein product. This variant is rare in the general population with a frequency below the threshold expected for the associated phenotype(s). This variant has been observed in one or more individuals affected with the associated recessive disease, as either homozygous or compound heterozygous with a second variant (PMID: 29588463). Given the available evidence, this variant is classified as Pathogenic.

Labcorp Genetics (formerly Invitae), Labcorp
Classification: Pathogenic for Alstrom syndrome. Last evaluated: 2024-03-02. Review status: criteria provided, single submitter. Criteria: Invitae Variant Classification Sherloc (09022015). Collection method: clinical testing. Allele origin: germline.
Comment: This sequence change creates a premature translational stop signal (p.Arg1418Glyfs*55) in the ALMS1 gene. It is expected to result in an absent or disrupted protein product. Loss-of-function variants in ALMS1 are known to be pathogenic (PMID: 17594715). This variant is not present in population databases (gnomAD no frequency). This premature translational stop signal has been observed in individual(s) with Alström syndrome (PMID: 29588463). ClinVar contains an entry for this variant (Variation ID: 551424). For these reasons, this variant has been classified as Pathogenic.

GeneDx
Classification: Pathogenic. Last evaluated: 2022-08-11. Review status: criteria provided, single submitter. Criteria: GeneDx Variant Classification Process June 2021. Collection method: clinical testing. Allele origin: germline. Affected: yes.
Comment: Frameshift variant predicted to result in protein truncation or nonsense mediated decay in a gene for which loss-of-function is a known mechanism of disease; Not observed at significant frequency in large population cohorts (gnomAD); This variant is associated with the following publications: (PMID: 29588463)

Blueprint Genetics
Classification: Pathogenic for ALMS1-related disorders. Last evaluated: 2022-06-01. Review status: criteria provided, single submitter. Criteria: ACMG Guidelines, 2015. Collection method: clinical testing. Allele origin: germline. Affected: yes. Observed: 1 variant allele.

Fulgent Genetics
Classification: Pathogenic for Alstrom syndrome. Last evaluated: 2022-05-26. Review status: criteria provided, single submitter. Criteria: ACMG Guidelines, 2015. Collection method: clinical testing. Allele origin: unknown.

Counsyl
Classification: Likely pathogenic for Alstrom syndrome. Last evaluated: 2017-04-25. Review status: no assertion criteria provided. Collection method: clinical testing. Allele origin: unknown. Not counted in ClinVar's aggregate classification.

Literature cited by the submitters: PubMed 29588463 (cited by Natera, Inc. and Labcorp Genetics (formerly Invitae), Labcorp); PubMed 17594715 (cited by Labcorp Genetics (formerly Invitae), Labcorp).

NM_001378454.1(ALMS1):c.4249del (p.Arg1417fs)

Gene: ALMS1 (ALMS1 centrosome and basal body associated protein; plus strand). Cytogenetic location: 2p13.1.
Variant type: Deletion.
Coding change: c.4249del on transcript NM_001378454.1 (MANE Select); coding-DNA position 4249, one base deleted (C; older notation c.4249delC).
Protein change: p.Arg1417fs; shifts the reading frame from arginine 1417.
Molecular consequence: frameshift variant.
Genome position (GRCh38, 1-based): chr2:73,450,776, C deleted; the last of 2 consecutive C bases (chr2:73,450,775-73,450,776); deleting either gives the same sequence. VCF-style (leftmost placement, unchanged base first): chr2-73450774-AC-A. GRCh37 (hg19) VCF-style: chr2-73677901-AC-A.
Other names: c.4252del, p.Arg1418fs (NM_015120.4); c.4252delC (NM_015120.4); short protein forms R1418fs, R1417fs.
Identifiers: ClinVar variation 551424 (VCV000551424.11), dbSNP rs1553403851, ClinGen allele CA658822877.